The following is an entry in ClinVar:

NM_015141.4(GPD1L):c.668A>G (p.Asp223Gly)

Gene: GPD1L (glycerol-3-phosphate dehydrogenase 1 like; plus strand). Cytogenetic location: 3p22.3.
Variant type: single nucleotide variant.
Coding change: c.668A>G on transcript NM_015141.4 (MANE Select); coding-DNA position 668, A replaced by G.
Protein change: p.Asp223Gly; replaces aspartic acid 223 with glycine.
Molecular consequence: missense variant.
Genome position (GRCh38, 1-based): chr3:32,158,925, A>G. VCF-style: chr3-32158925-A-G. GRCh37 (hg19) VCF-style: chr3-32200417-A-G.
Other names: short protein forms D223G.
Identifiers: ClinVar variation 519354 (VCV000519354.5), dbSNP rs1553662705, ClinGen allele CA351969027.
Genomic context (GRCh38, chr3:32,158,925, plus strand): 5'-CTCCTTTGCAGAACATCGTAGCTGTGGGAGCTGGGTTCTGCGACGGCCTCCGCTGTGGAG[A>G]CAACACCAAAGCGGCCGTCATCCGCCTGGGACTCATGGAAATGATTGCTTTTGCCAGGAT-3'
Protein context (NP_055956.1, residues 213-233): AGFCDGLRCG[Asp223Gly]NTKAAVIRLG

ClinVar aggregate classification (germline): Uncertain significance (1 of 4 stars; one submission).

Conditions:
Cardiovascular phenotype. Identifiers: MedGen CN230736.

Submission:

Ambry Genetics
Classification: Uncertain significance for Cardiovascular phenotype. Last evaluated: 2016-11-09. Review status: criteria provided, single submitter. Criteria: Ambry Variant Classification Scheme 2023. Collection method: clinical testing. Allele origin: germline.
Comment: The p.D223G variant (also known as c.668A>G), located in coding exon 6 of the GPD1L gene, results from an A to G substitution at nucleotide position 668. The aspartic acid at codon 223 is replaced by glycine, an amino acid with similar properties. This variant was not reported in population-based cohorts in the following databases: Database of Single Nucleotide Polymorphisms (dbSNP), Exome Aggregation Consortium (ExAC), NHLBI Exome Sequencing Project (ESP), and 1000 Genomes Project. In the ESP, this variant was not observed in 6503 samples (13006 alleles) with coverage at this position. This amino acid position is highly conserved in available vertebrate species. In addition, this alteration is predicted to be deleterious by in silico analysis. Since supporting evidence is limited at this time, the clinical significance of this alteration remains unclear.